The following is an entry in ClinVar:

NM_001447.3(FAT2):c.4446C>G (p.Ile1482Met)

Genes: FAT2 (FAT atypical cadherin 2; minus strand), SLC36A1 (solute carrier family 36 member 1; plus strand). Cytogenetic location: 5q33.1.
Variant type: single nucleotide variant.
Coding change: c.4446C>G on transcript NM_001447.3 (MANE Select); coding-DNA position 4446, C replaced by G.
Protein change: p.Ile1482Met; replaces isoleucine 1482 with methionine.
Molecular consequence: missense variant.
Genome position (GRCh38, 1-based): chr5:151,550,722, G>C on the plus strand (C>G on the coding strand, the complement: FAT2 is on the minus strand). VCF-style: chr5-151550722-G-C. GRCh37 (hg19) VCF-style: chr5-150930283-G-C.
Other names: short protein forms I1482M.
Identifiers: ClinVar variation 3656847 (VCV003656847.2).

ClinVar aggregate classification (germline): Uncertain significance (1 of 4 stars; one submission).

gnomAD v4.1: 1 of 1,614,206 alleles (0.000062%); highest among the groups gnomAD compares: South Asian, 0.0011%; no homozygotes.

Submission:

Labcorp Genetics (formerly Invitae), Labcorp
Classification: Uncertain significance. Last evaluated: 2024-06-17. Review status: criteria provided, single submitter. Criteria: Invitae Variant Classification Sherloc (09022015). Collection method: clinical testing. Allele origin: germline.
Comment: This sequence change replaces isoleucine, which is neutral and non-polar, with methionine, which is neutral and non-polar, at codon 1482 of the FAT2 protein (p.Ile1482Met). This variant is not present in population databases (gnomAD no frequency). This variant has not been reported in the literature in individuals affected with FAT2-related conditions. Advanced modeling of protein sequence and biophysical properties (such as structural, functional, and spatial information, amino acid conservation, physicochemical variation, residue mobility, and thermodynamic stability) performed at Invitae indicates that this missense variant is not expected to disrupt FAT2 protein function with a negative predictive value of 80%. In summary, the available evidence is currently insufficient to determine the role of this variant in disease. Therefore, it has been classified as a Variant of Uncertain Significance.